The following is an entry in ClinVar:

NM_001271.4(CHD2):c.5393_5401dup (p.Lys1800_Ser1801insTyrSerLys)

Gene: CHD2 (chromodomain helicase DNA binding protein 2; plus strand). Cytogenetic location: 15q26.1.
Variant type: Duplication.
Coding change: c.5393_5401dup on transcript NM_001271.4 (MANE Select); coding-DNA positions 5393 to 5401, 9 bases duplicated (ATTCCAAGT; older notation c.5393_5401dupATTCCAAGT).
Protein change: p.Lys1800_Ser1801insTyrSerLys.
Molecular consequence: inframe insertion.
Genome position (GRCh38, 1-based): chr15:93,024,611-93,024,619, ATTCCAAGT duplicated. VCF-style (leftmost placement, unchanged base first): chr15-93024610-G-GATTCCAAGT. GRCh37 (hg19) VCF-style: chr15-93567840-G-GATTCCAAGT.
Identifiers: ClinVar variation 2506876 (VCV002506876.2), dbSNP rs2505651035, ClinGen allele CA2580613340.
Genomic context (GRCh38, chr15:93,024,610, plus strand): 5'-CCCCCATTGCACCCTGCAGTCTCAGATCCTCGCTCACCCCCTTCTCAGAAATCTCCTCAC[G>GATTCCAAGT]ATTCCAAGTCACCCCTGGATCATAGGTCTCCTTTGGAGAGATCACTAGAACAGAAAAACA-3'

ClinVar aggregate classification (germline): Uncertain significance (1 of 4 stars; one submission).

Submission:

GeneDx
Classification: Uncertain significance. Last evaluated: 2026-10-19. Review status: criteria provided, single submitter. Criteria: GeneDx Variant Classification Process June 2021. Collection method: clinical testing. Allele origin: germline.
Comment: Not observed at significant frequency in large population cohorts (gnomAD); In-frame insertion of 3 amino acid(s) in a non-repeat region; Has not been previously published as pathogenic or benign to our knowledge